The following is an entry in ClinVar:

NM_005228.5(EGFR):c.1358T>A (p.Leu453His)

Gene: EGFR (epidermal growth factor receptor; plus strand). Cytogenetic location: 7p11.2.
Variant type: single nucleotide variant.
Coding change: c.1358T>A on transcript NM_005228.5 (MANE Select); coding-DNA position 1358, T replaced by A.
Protein change: p.Leu453His; replaces leucine 453 with histidine.
Molecular consequence: missense variant.
Genome position (GRCh38, 1-based): chr7:55,160,198, T>A. VCF-style: chr7-55160198-T-A. GRCh37 (hg19) VCF-style: chr7-55227891-T-A.
Other names: c.1199T>A, p.Leu400His (NM_001346900.2); c.557T>A, p.Leu186His (NM_001346941.2); c.1358T>A, p.Leu453His (NM_201282.2, NM_201284.2, NM_001346898.2); c.1223T>A, p.Leu408His (NM_001346897.2, NM_001346899.2); short protein forms L186H, L408H, L400H, L453H.
Identifiers: ClinVar variation 4247371 (VCV004247371.1).

ClinVar aggregate classification (germline): Uncertain significance (1 of 4 stars; one submission).

Conditions:
Hereditary cancer-predisposing syndrome. Also called: Hereditary Cancer Syndrome; Hereditary neoplastic syndrome; Neoplastic Syndromes, Hereditary; Tumor predisposition. Identifiers: Orphanet 140162, MedGen C0027672, MeSH D009386, MONDO:0015356.

Submission:

Ambry Genetics
Classification: Uncertain significance for Hereditary cancer-predisposing syndrome. Last evaluated: 2025-09-14. Review status: criteria provided, single submitter. Criteria: Ambry Variant Classification Scheme 2023. Collection method: clinical testing. Allele origin: germline.
Comment: The p.L453H variant (also known as c.1358T>A), located in coding exon 12 of the EGFR gene, results from a T to A substitution at nucleotide position 1358. The leucine at codon 453 is replaced by histidine, an amino acid with similar properties. This amino acid position is conserved. In addition, this alteration is predicted to be deleterious by in silico analysis. Based on the available evidence, the clinical significance of this variant remains unclear.